The following is an entry in ClinVar:

ClinVar aggregate classification (germline): Pathogenic (1 of 4 stars; one submission).

Conditions:
Autosomal recessive limb-girdle muscular dystrophy type 2C (LGMDR5). Also called: MUSCULAR DYSTROPHY, DUCHENNE-LIKE; MUSCULAR DYSTROPHY, LIMB-GIRDLE, AUTOSOMAL RECESSIVE 5. Identifiers: Orphanet 353, MedGen C0410173, MONDO:0009677, OMIM 253700. Disease mechanism: Affects gamma-sarcoglycan and also disrupts the integrity of the entire sarcoglycan complex..

Submission:

Labcorp Genetics (formerly Invitae), Labcorp
Classification: Pathogenic for Autosomal recessive limb-girdle muscular dystrophy type 2C. Last evaluated: 2022-10-31. Review status: criteria provided, single submitter. Criteria: Invitae Variant Classification Sherloc (09022015). Collection method: clinical testing. Allele origin: germline.
Comment: This variant is a gross deletion of the genomic region encompassing exon(s) 7 of the SGCG gene. While this deletion is not anticipated to lead to nonsense mediated decay, it is expected to disrupt the C-terminus of the protein. A similar copy number variant has been observed in individual(s) with limb-girdle muscular dystrophy (LGMD) (PMID: 18285821). In at least one individual the data is consistent with being in trans (on the opposite chromosome) from a pathogenic variant. For these reasons, this variant has been classified as Pathogenic.

Literature cited by the submitters: PubMed 18285821.

NC_000013.11:g.(?_23320627)_(23320770_?)del

Gene: SGCG (sarcoglycan gamma; plus strand). Cytogenetic location: 13q12.12.
Variant type: Deletion.
Identifiers: ClinVar variation 830386 (VCV000830386.7).